The following is an entry in ClinVar:

ClinVar aggregate classification (germline): Uncertain significance. Review status: criteria provided, multiple submitters, no conflicts (2 of 4 stars). 3 submissions from 3 submitters: Uncertain significance (3). Last evaluated 2025-08-29.

Conditions:
Neuropathy, hereditary sensory, type 1F. Also called: Hereditary sensory neuropathy type IF; HSN IF. Identifiers: Orphanet 36386, MedGen C3810194, MONDO:0014286, OMIM 615632.
Inborn genetic diseases. Identifiers: MedGen C0950123, MeSH D030342.

Allele frequency attached by ClinVar (database versions not stated): ExAC 0.00001; gnomAD exomes 0.00001 and 0.00003; TOPMed 0.00002; gnomAD 0.00003.
gnomAD v4.1: 48 of 1,614,090 alleles (0.003%); highest among the groups gnomAD compares: African/African-American, 0.004%; no homozygotes.

Submissions (3):

Labcorp Genetics (formerly Invitae), Labcorp
Classification: Uncertain significance for Neuropathy, hereditary sensory, type 1F. Last evaluated: 2025-08-29. Review status: criteria provided, single submitter. Criteria: Invitae Variant Classification Sherloc (09022015). Collection method: clinical testing. Allele origin: germline.
Comment: This sequence change replaces threonine, which is neutral and polar, with methionine, which is neutral and non-polar, at codon 449 of the ATL3 protein (p.Thr449Met). This variant is present in population databases (rs775539106, gnomAD 0.004%). This variant has not been reported in the literature in individuals affected with ATL3-related conditions. ClinVar contains an entry for this variant (Variation ID: 659202). An algorithm developed to predict the effect of missense changes on protein structure and function (PolyPhen-2) suggests that this variant is likely to be tolerated. In summary, the available evidence is currently insufficient to determine the role of this variant in disease. Therefore, it has been classified as a Variant of Uncertain Significance.

Ambry Genetics
Classification: Uncertain significance for Inborn genetic diseases. Last evaluated: 2020-10-19. Review status: criteria provided, single submitter. Criteria: Ambry Variant Classification Scheme 2023. Collection method: clinical testing. Allele origin: germline.
Comment: The p.T449M variant (also known as c.1346C>T), located in coding exon 12 of the ATL3 gene, results from a C to T substitution at nucleotide position 1346. The threonine at codon 449 is replaced by methionine, an amino acid with similar properties. This amino acid position is not well conserved in available vertebrate species. In addition, this alteration is predicted to be tolerated by in silico analysis. Since supporting evidence is limited at this time, the clinical significance of this alteration remains unclear.

Victorian Clinical Genetics Services, Murdoch Childrens Research Institute
Classification: Uncertain significance for Neuropathy, hereditary sensory, type 1F. Last evaluated: 2019-08-28. Review status: criteria provided, single submitter. Criteria: ACMG Guidelines, 2015. Collection method: clinical testing. Allele origin: germline. Inheritance: Autosomal dominant inheritance. Affected: yes.
Comment: A heterozygous missense variant was identified, NM_015459.4(ATL3):c.1346C>T in exon 12 of 13 of the ATL3 gene. This substitution is predicted to create a moderate amino acid change from threonine to methionine at position 449 of the protein, NP_056274.3(ATL3):p.(Thr449Met). The threonine at this position has low conservation (100 vertebrates, UCSC), and is not situated in a known functional domain. In silico software predictions of the pathogenicity of this variant are conflicting (PolyPhen, SIFT, CADD, MutationTaster). The variant is present in the gnomAD population database at a frequency of 0.001% (3 heterozygotes; 0 homozygotes). The variant has not previously been reported in clinical cases. Based on information available at the time of curation, this variant has been classified as a VARIANT of UNCERTAIN SIGNIFICANCE (VUS).

NM_015459.5(ATL3):c.1346C>T (p.Thr449Met)

Genes: ATL3 (atlastin GTPase 3; minus strand), LNCROPM (lncRNA regulator of PLAAT3 mediated phospholipid metabolism; plus strand). Cytogenetic location: 11q13.1.
Variant type: single nucleotide variant.
Coding change: c.1346C>T on transcript NM_015459.5 (MANE Select); coding-DNA position 1346, C replaced by T.
Protein change: p.Thr449Met; replaces threonine 449 with methionine.
Molecular consequence: missense variant.
Genome position (GRCh38, 1-based): chr11:63,631,233, G>A on the plus strand (C>T on the coding strand, the complement: ATL3 is on the minus strand). VCF-style: chr11-63631233-G-A. GRCh37 (hg19) VCF-style: chr11-63398705-G-A.
Other names: c.1292C>T, p.Thr431Met (NM_001290048.2); short protein forms T449M, T431M.
Identifiers: ClinVar variation 659202 (VCV000659202.12), dbSNP rs775539106, ClinGen allele CA6063537.